The following is an entry in ClinVar:

NM_005866.4(SIGMAR1):c.622C>T (p.Arg208Trp)

Gene: SIGMAR1 (sigma receptor chaperone 1; minus strand). Cytogenetic location: 9p13.3.
Variant type: single nucleotide variant.
Coding change: c.622C>T on transcript NM_005866.4 (MANE Select); coding-DNA position 622, C replaced by T.
Protein change: p.Arg208Trp; replaces arginine 208 with tryptophan.
Molecular consequence: missense variant. On other transcripts: 3 prime UTR variant (2), non-coding transcript variant (1), intron variant (1).
Genome position (GRCh38, 1-based): chr9:34,635,682, G>A on the plus strand (C>T on the coding strand, the complement: SIGMAR1 is on the minus strand). VCF-style: chr9-34635682-G-A. GRCh37 (hg19) VCF-style: chr9-34635679-G-A.
Other names: p.Arg208Trp; c.322C>T, p.Arg108Trp (NM_001282206.2); c.562C>T, p.Arg188Trp (NM_001282207.2); c.*165C>T (NM_001282208.2); c.*149C>T (NM_001282209.2); c.529C>T, p.Arg177Trp (NM_147157.3); c.446-42C>T (NM_001282205.2); short protein forms R208W, R108W, R188W, R177W.
Identifiers: ClinVar variation 465871 (VCV000465871.44), dbSNP rs11559048, ClinGen allele CA5035823.

ClinVar aggregate classification (germline): Benign/Likely benign. Review status: criteria provided, multiple submitters, no conflicts (2 of 4 stars). 7 submissions from 7 submitters: Benign (6); Likely benign (1). Last evaluated 2026-08-01.

Conditions:
Amyotrophic lateral sclerosis type 16. Also called: AMYOTROPHIC LATERAL SCLEROSIS 16, JUVENILE. Identifiers: Orphanet 300605, MedGen C3280587, MONDO:0013715, OMIM 614373.
Autosomal recessive distal spinal muscular atrophy 2. Also called: Hereditary motor neuropathy, Jerash type; Motor neuropathy, distal, Jerash type; NEUROPATHY, DISTAL HEREDITARY MOTOR, AUTOSOMAL RECESSIVE 2; NEURONOPATHY, DISTAL HEREDITARY MOTOR, JERASH TYPE; NEUROPATHY, DISTAL HEREDITARY MOTOR, JERASH TYPE; SPINAL MUSCULAR ATROPHY, JERASH TYPE. Identifiers: Orphanet 139552, MedGen C1854023, MONDO:0011585, OMIM 605726.

Allele frequency attached by ClinVar (database versions not stated): gnomAD exomes 0.00373 and 0.00782; ESP Exome Variant Server 0.00715; ExAC 0.00778; gnomAD 0.00864 and 0.00881; TOPMed 0.01037; 1000 Genomes Project 30x 0.01296; 1000 Genomes Project 0.01298.
gnomAD v4.1: 6,864 of 1,614,216 alleles (0.43%); highest among the groups gnomAD compares: East Asian, 3%; 64 homozygotes.

Submissions (7):

CeGaT Center for Human Genetics Tuebingen
Classification: Benign. Last evaluated: 2026-08-01. Review status: criteria provided, single submitter. Criteria: CeGaT Center For Human Genetics Tuebingen Variant Classification Criteria Version 2. Collection method: clinical testing. Allele origin: germline. Affected: yes. Observed: 6 variant alleles.
Comment: SIGMAR1: BS1, BS2

Labcorp Genetics (formerly Invitae), Labcorp
Classification: Benign for Autosomal recessive distal spinal muscular atrophy 2; Amyotrophic lateral sclerosis type 16. Last evaluated: 2026-02-02. Review status: criteria provided, single submitter. Criteria: Invitae Variant Classification Sherloc (09022015). Collection method: clinical testing. Allele origin: germline.

Athena Diagnostics
Classification: Benign. Last evaluated: 2025-08-08. Review status: criteria provided, single submitter. Criteria: Athena Diagnostics Criteria. Collection method: clinical testing. Allele origin: unknown.
Comment: The frequency of this variant in the general population is higher than would generally be expected for pathogenic variants in this gene.

Fulgent Genetics
Classification: Likely benign for Autosomal recessive distal spinal muscular atrophy 2; Amyotrophic lateral sclerosis type 16. Last evaluated: 2022-01-07. Review status: criteria provided, single submitter. Criteria: ACMG Guidelines, 2015. Collection method: clinical testing. Allele origin: unknown.

GeneDx
Classification: Benign. Last evaluated: 2020-06-17. Review status: criteria provided, single submitter. Criteria: GeneDx Variant Classification Process June 2021. Collection method: clinical testing. Allele origin: germline. Affected: yes.
Comment: This variant is associated with the following publications: (PMID: 31159747, 31324122, 30311446, 25174650, 29411640)

Mayo Clinic Laboratories, Mayo Clinic
Classification: Benign. Last evaluated: 2019-11-22. Review status: criteria provided, single submitter. Criteria: ACMG Guidelines, 2015. Collection method: clinical testing. Allele origin: germline. Observed: 23 variant alleles.

Breakthrough Genomics
Classification: Benign. Review status: criteria provided, single submitter. Criteria: ACMG Guidelines, 2015. Collection method: not provided. Allele origin: germline. Inheritance: Autosomal recessive inheritance. Affected: yes.

Literature cited by the submitters: PubMed 30311446 (cited by Athena Diagnostics); PubMed 31324122 (cited by Athena Diagnostics); PubMed 29411640 (cited by Athena Diagnostics); PubMed 25261976 (cited by Athena Diagnostics); PubMed 30266269 (cited by Athena Diagnostics); PubMed 26366463 (cited by Athena Diagnostics); PubMed 38450645 (cited by Athena Diagnostics).